The following is an entry in ClinVar:

ClinVar aggregate classification (germline): Likely benign. Review status: reviewed by expert panel (3 of 4 stars). 2 submissions from 2 submitters: Likely benign (1). 1 of the submissions does not count toward it. Last evaluated 2022-04-25.

Conditions:
Hereditary thrombocytopenia and hematological cancer predisposition syndrome associated with RUNX1. Also called: Familial thrombocytopenia with propensity to acute myelogenous leukemia; PLATELET DISORDER, ASPIRIN-LIKE; RUNX1 Familial Platelet Disorder with Associated Myeloid Malignancies; Familial Platelet Disorder with Propensity to Acute Myelogenous Leukemia. Identifiers: Orphanet 71290, MedGen C1832388, MeSH C563324, MONDO:0100083, OMIM 601399.
Hereditary thrombocytopenia and hematologic cancer predisposition syndrome. Identifiers: Orphanet 71290, MedGen CN281654, MONDO:0011071.

Submissions (2):

ClinGen Myeloid Malignancy Variant Curation Expert Panel
Classification: Likely benign for Hereditary thrombocytopenia and hematologic cancer predisposition syndrome. Last evaluated: 2022-04-25. Review status: reviewed by expert panel. Criteria: ClinGen MyeloMalig ACMG Specifications v2. Collection method: curation. Allele origin: germline. Inheritance: Autosomal dominant inheritance.
Comment: NM_001754.5(RUNX1):c.1371C>A (p.Gly457=) is a synonymous variant. In summary, this variant meets criteria to be classified as likely benign. REVEL score not calculable. SpliceAI predicts: Acceptor loss 0.00, Donor loss 0.00, Acceptor gain 0.00, Donor gain 0.00 (BP4). Evolutionary conservation prediction algorithms predict the site as not being conserved (PhyloP score 0.120819 < 2.0 or the variant is the reference nucleotide in one primate and/or three mammal species) (BP7). This variant is completely absent from all population databases with at least 20x coverage for RUNX1 (PM2_supporting). ACMG/AMP criteria applied, as specified by the Myeloid Malignancy Variant Curation Expert Panel for RUNX1: BP4, BP7, PM2_supporting.

Labcorp Genetics (formerly Invitae), Labcorp
Classification: Likely benign for Hereditary thrombocytopenia and hematological cancer predisposition syndrome associated with RUNX1. Last evaluated: 2020-02-11. Review status: criteria provided, single submitter. Criteria: Invitae Variant Classification Sherloc (09022015). Collection method: clinical testing. Allele origin: germline. Not counted in ClinVar's aggregate classification.

NM_001754.5(RUNX1):c.1371C>A (p.Gly457=)

Gene: RUNX1 (RUNX family transcription factor 1; minus strand). Cytogenetic location: 21q22.12.
Variant type: single nucleotide variant.
Coding change: c.1371C>A on transcript NM_001754.5 (MANE Select); coding-DNA position 1371, C replaced by A.
Protein change: p.Gly457=; no amino-acid change (glycine 457 retained).
Molecular consequence: synonymous variant.
Genome position (GRCh38, 1-based): chr21:34,792,207, G>T on the plus strand (C>A on the coding strand, the complement: RUNX1 is on the minus strand). VCF-style: chr21-34792207-G-T. GRCh37 (hg19) VCF-style: chr21-36164504-G-T.
Other names: NM_001754.5(RUNX1):c.1371C>A; p.Gly457=; c.1290C>A, p.Gly430= (NM_001001890.3).
Identifiers: ClinVar variation 1158650 (VCV001158650.10), dbSNP rs2145872664, ClinGen allele CA512232141.